The following is an entry in ClinVar:

NM_001369.3(DNAH5):c.7306T>C (p.Tyr2436His)

Gene: DNAH5 (dynein axonemal heavy chain 5; minus strand). Cytogenetic location: 5p15.2.
Variant type: single nucleotide variant.
Coding change: c.7306T>C on transcript NM_001369.3 (MANE Select); coding-DNA position 7306, T replaced by C.
Protein change: p.Tyr2436His; replaces tyrosine 2436 with histidine.
Molecular consequence: missense variant.
Genome position (GRCh38, 1-based): chr5:13,811,748, A>G on the plus strand (T>C on the coding strand, the complement: DNAH5 is on the minus strand). VCF-style: chr5-13811748-A-G. GRCh37 (hg19) VCF-style: chr5-13811857-A-G.
Other names: short protein forms Y2436H.
Identifiers: ClinVar variation 907613 (VCV000907613.10), dbSNP rs373885245, ClinGen allele CA3203126.

ClinVar aggregate classification (germline): Conflicting classifications of pathogenicity. Review status: criteria provided, conflicting classifications (1 of 4 stars). 3 submissions from 3 submitters: Uncertain significance (2); Likely benign (1). Last evaluated 2025-09-17.

Conditions:
Primary ciliary dyskinesia. Also called: Ciliary dyskinesia. Identifiers: Orphanet 244, MedGen C0008780, MONDO:0016575, HP:0012265.
Primary ciliary dyskinesia 3. Identifiers: Orphanet 244, MedGen C1837618, MONDO:0012085, OMIM 608644.

Allele frequency attached by ClinVar (database versions not stated): ExAC 0.00002; gnomAD 0.00003 and 0.00004; TOPMed 0.00005; ESP Exome Variant Server 0.00008.
gnomAD v4.1: 27 of 1,614,072 alleles (0.0017%); highest among the groups gnomAD compares: African/African-American, 0.004%; no homozygotes.

Submissions (3):

Ambry Genetics
Classification: Uncertain significance for Primary ciliary dyskinesia. Last evaluated: 2025-09-17. Review status: criteria provided, single submitter. Criteria: Ambry Variant Classification Scheme 2023. Collection method: clinical testing. Allele origin: germline.
Comment: The p.Y2436H variant (also known as c.7306T>C), located in coding exon 44 of the DNAH5 gene, results from a T to C substitution at nucleotide position 7306. The tyrosine at codon 2436 is replaced by histidine, an amino acid with similar properties. This amino acid position is conserved. In addition, this alteration is predicted to be tolerated by in silico analysis. Based on the available evidence, the clinical significance of this variant remains unclear.

Labcorp Genetics (formerly Invitae), Labcorp
Classification: Likely benign for Primary ciliary dyskinesia. Last evaluated: 2024-07-31. Review status: criteria provided, single submitter. Criteria: Invitae Variant Classification Sherloc (09022015). Collection method: clinical testing. Allele origin: germline.

Illumina Laboratory Services, Illumina
Classification: Uncertain significance for Primary ciliary dyskinesia 3. Last evaluated: 2018-01-13. Review status: criteria provided, single submitter. Criteria: ICSL Variant Classification Criteria 13 December 2019. Collection method: clinical testing. Allele origin: germline.